The following is an entry in ClinVar:

NM_000038.6(APC):c.2339G>C (p.Ser780Thr)

Gene: APC (APC regulator of Wnt signaling pathway; plus strand). Cytogenetic location: 5q22.2.
Variant type: single nucleotide variant.
Coding change: c.2339G>C on transcript NM_000038.6 (MANE Select); coding-DNA position 2339, G replaced by C.
Protein change: p.Ser780Thr; replaces serine 780 with threonine.
Molecular consequence: missense variant.
Genome position (GRCh38, 1-based): chr5:112,837,933, G>C. VCF-style: chr5-112837933-G-C. GRCh37 (hg19) VCF-style: chr5-112173630-G-C.
Other names: c.2393G>C, p.Ser798Thr (NM_001354896.2); c.2369G>C, p.Ser790Thr (NM_001354897.2); c.2264G>C, p.Ser755Thr (NM_001354898.2); c.2255G>C, p.Ser752Thr (NM_001354899.2); c.2216G>C, p.Ser739Thr (NM_001354900.2); c.2162G>C, p.Ser721Thr (NM_001354901.2); c.2066G>C, p.Ser689Thr (NM_001354902.2); c.2036G>C, p.Ser679Thr (NM_001354903.2); and 5 more; short protein forms S739T, S689T, S752T, S755T, S780T, S654T, S679T, S721T.
Identifiers: ClinVar variation 1499631 (VCV001499631.8), dbSNP rs1765158317, ClinGen allele CA16026466.
Genomic context (GRCh38, chr5:112,837,933, plus strand): 5'-TAGAAGCAGAATTAGATGCTCAGCACTTATCAGAAACTTTTGACAATATAGACAATTTAA[G>C]TCCCAAGGCATCTCATCGTAGTAAGCAGAGACACAAGCAAAGTCTCTATGGTGATTATGT-3'
Protein context (NP_000029.2, residues 770-790): SETFDNIDNL[Ser780Thr]PKASHRSKQR

ClinVar aggregate classification (germline): Uncertain significance. Review status: criteria provided, multiple submitters, no conflicts (2 of 4 stars). 2 submissions from 2 submitters: Uncertain significance (2). Last evaluated 2024-07-01.

Conditions:
Hereditary cancer-predisposing syndrome. Also called: Tumor predisposition; Hereditary neoplastic syndrome; Neoplastic Syndromes, Hereditary; Hereditary Cancer Syndrome. Identifiers: Orphanet 140162, MedGen C0027672, MeSH D009386, MONDO:0015356.
Familial adenomatous polyposis 1 (FAP1). Also called: FAMILIAL ADENOMATOUS POLYPOSIS 1, ATTENUATED; POLYPOSIS, ADENOMATOUS INTESTINAL. Identifiers: MedGen C2713442, MONDO:0021056, OMIM 175100. Disease mechanism: loss of function.

Submissions (2):

Labcorp Genetics (formerly Invitae), Labcorp
Classification: Uncertain significance for Familial adenomatous polyposis 1. Last evaluated: 2024-07-01. Review status: criteria provided, single submitter. Criteria: Invitae Variant Classification Sherloc (09022015). Collection method: clinical testing. Allele origin: germline.
Comment: This sequence change replaces serine, which is neutral and polar, with threonine, which is neutral and polar, at codon 780 of the APC protein (p.Ser780Thr). This variant is not present in population databases (gnomAD no frequency). This variant has not been reported in the literature in individuals affected with APC-related conditions. ClinVar contains an entry for this variant (Variation ID: 1499631). Advanced modeling of protein sequence and biophysical properties (such as structural, functional, and spatial information, amino acid conservation, physicochemical variation, residue mobility, and thermodynamic stability) performed at Invitae indicates that this missense variant is not expected to disrupt APC protein function with a negative predictive value of 95%. In summary, the available evidence is currently insufficient to determine the role of this variant in disease. Therefore, it has been classified as a Variant of Uncertain Significance.

Ambry Genetics
Classification: Uncertain significance for Hereditary cancer-predisposing syndrome. Last evaluated: 2022-06-27. Review status: criteria provided, single submitter. Criteria: Ambry Variant Classification Scheme 2023. Collection method: clinical testing. Allele origin: germline.
Comment: The p.S780T variant (also known as c.2339G>C), located in coding exon 15 of the APC gene, results from a G to C substitution at nucleotide position 2339. The serine at codon 780 is replaced by threonine, an amino acid with similar properties. This amino acid position is conserved. In addition, in silico predictors for this gene do not accurately predict pathogenicity. Since supporting evidence is limited at this time, the clinical significance of this alteration remains unclear.